The following is an entry in ClinVar:

ClinVar aggregate classification (germline): Pathogenic (1 of 4 stars; one submission).

Submission:

Labcorp Genetics (formerly Invitae), Labcorp
Classification: Pathogenic. Last evaluated: 2025-06-12. Review status: criteria provided, single submitter. Criteria: Invitae Variant Classification Sherloc (09022015). Collection method: clinical testing. Allele origin: germline.
Comment: This sequence change creates a premature translational stop signal (p.Ala920Profs*28) in the LRP2 gene. It is expected to result in an absent or disrupted protein product. Loss-of-function variants in LRP2 are known to be pathogenic (PMID: 17632512, 25682901). This variant is not present in population databases (gnomAD no frequency). This variant has not been reported in the literature in individuals affected with LRP2-related conditions. ClinVar contains an entry for this variant (Variation ID: 2127309). For these reasons, this variant has been classified as Pathogenic.

Literature cited by the submitters: PubMed 17632512; PubMed 25682901.

NM_004525.3(LRP2):c.2757del (p.Ala920fs)

Gene: LRP2 (LDL receptor related protein 2; minus strand). Cytogenetic location: 2q31.1.
Variant type: Deletion.
Coding change: c.2757del on transcript NM_004525.3 (MANE Select); coding-DNA position 2757, one base deleted (T; older notation c.2757delT).
Protein change: p.Ala920fs; shifts the reading frame from alanine 920.
Molecular consequence: frameshift variant.
Genome position (GRCh38, 1-based): chr2:169,256,119, A deleted on the plus strand (T on the coding strand, the reverse complement: LRP2 is on the minus strand); the first of 2 consecutive A bases (chr2:169,256,119-169,256,120); deleting either gives the same sequence. VCF-style (leftmost placement, unchanged base first): chr2-169256118-CA-C. GRCh37 (hg19) VCF-style: chr2-170112628-CA-C.
Other names: short protein forms A920fs.
Identifiers: ClinVar variation 2127309 (VCV002127309.4), dbSNP rs2528423787, ClinGen allele CA2580064445.